The following is an entry in ClinVar:

ClinVar aggregate classification (germline): Pathogenic (1 of 4 stars; one submission).

Submission:

Labcorp Genetics (formerly Invitae), Labcorp
Classification: Pathogenic. Last evaluated: 2023-06-10. Review status: criteria provided, single submitter. Criteria: Invitae Variant Classification Sherloc (09022015). Collection method: clinical testing. Allele origin: unknown.
Comment: For these reasons, this variant has been classified as Pathogenic. This variant disrupts a region of the PRPF31 protein in which other variant(s) (Deletion (Exon 14) ) have been determined to be pathogenic (Invitae). This suggests that this is a clinically significant region of the protein, and that variants that disrupt it are likely to be disease-causing. This variant has not been reported in the literature in individuals affected with PRPF31-related conditions. This variant is a gross deletion of the genomic region encompassing exon(s) 6-14 of the PRPF31 gene, which includes the termination codon. This deletion extends beyond the assayed region for this gene and therefore may encompass additional genes. While this deletion is not anticipated to lead to nonsense mediated decay, it is expected to alter mRNA translation or result in a truncated protein product.

NC_000019.9:g.(?_54626813)_(54634863_?)del

Gene: PRPF31 (pre-mRNA processing factor 31; plus strand). Cytogenetic location: 19q13.42.
Variant type: Deletion.
Identifiers: ClinVar variation 3242699 (VCV003242699.1).